The following is an entry in ClinVar:

NM_017617.5(NOTCH1):c.4248C>G (p.Cys1416Trp)

Gene: NOTCH1 (notch receptor 1; minus strand). Cytogenetic location: 9q34.3.
Variant type: single nucleotide variant.
Coding change: c.4248C>G on transcript NM_017617.5 (MANE Select); coding-DNA position 4248, C replaced by G.
Protein change: p.Cys1416Trp; replaces cysteine 1416 with tryptophan.
Molecular consequence: missense variant.
Genome position (GRCh38, 1-based): chr9:136,505,648, G>C on the plus strand (C>G on the coding strand, the complement: NOTCH1 is on the minus strand). VCF-style: chr9-136505648-G-C. GRCh37 (hg19) VCF-style: chr9-139400100-G-C.
Other names: short protein forms C1416W.
Identifiers: ClinVar variation 2442516 (VCV002442516.2), dbSNP rs2133340163, ClinGen allele CA375648743.

ClinVar aggregate classification (germline): Uncertain significance (1 of 4 stars; one submission).

Submission:

GeneDx
Classification: Uncertain significance. Last evaluated: 2025-01-23. Review status: criteria provided, single submitter. Criteria: GeneDx Variant Classification Process June 2021. Collection method: clinical testing. Allele origin: germline. Affected: yes.
Comment: Not observed at significant frequency in large population cohorts (gnomAD); In silico analysis supports that this missense variant has a deleterious effect on protein structure/function; Has not been previously published as pathogenic or benign to our knowledge